The following is an entry in ClinVar:

ClinVar aggregate classification (germline): Pathogenic (1 of 4 stars; one submission).

Conditions:
Familial adenomatous polyposis 1 (FAP1). Also called: FAMILIAL ADENOMATOUS POLYPOSIS 1, ATTENUATED; POLYPOSIS, ADENOMATOUS INTESTINAL. Identifiers: MedGen C2713442, MONDO:0021056, OMIM 175100. Disease mechanism: loss of function.

Submission:

Labcorp Genetics (formerly Invitae), Labcorp
Classification: Pathogenic for Familial adenomatous polyposis 1. Last evaluated: 2019-12-29. Review status: criteria provided, single submitter. Criteria: Invitae Variant Classification Sherloc (09022015). Collection method: clinical testing. Allele origin: germline.
Comment: For these reasons, this variant has been classified as Pathogenic. A different truncation (p.Tyr2645Lysfs*14) that lies downstream of this variant has been determined to be pathogenic (PMID: 9824584, 1316610, 27081525, 8381579, 22135120, Invitae). This suggests that deletion of this region of the APC protein is causative of disease. This variant has not been reported in the literature in individuals with APC-related conditions. This variant is not present in population databases (ExAC no frequency). This sequence change results in a premature translational stop signal in the APC gene (p.His1006Ilefs*16). While this is not anticipated to result in nonsense mediated decay, it is expected to disrupt the last 1838 amino acids of the APC protein. This variant is expected to disrupt the EB1 and HDLG binding sites, which mediate interactions with the cytoskeleton (PMID: 15311282, 17293347). While functional studies have not been performed to directly test the effect on APC protein function, this suggests that disruption of the C-terminal portion of the protein is functionally important.

Literature cited by the submitters: PubMed 9824584; PubMed 1316610; PubMed 27081525; PubMed 8381579; PubMed 22135120; PubMed 15311282; PubMed 17293347.

NM_000038.6(APC):c.3016del (p.His1006fs)

Gene: APC (APC regulator of Wnt signaling pathway; plus strand). Cytogenetic location: 5q22.2.
Variant type: Deletion.
Coding change: c.3016del on transcript NM_000038.6 (MANE Select); coding-DNA position 3016, one base deleted (C; older notation c.3016delC).
Protein change: p.His1006fs; shifts the reading frame from histidine 1006.
Molecular consequence: frameshift variant.
Genome position (GRCh38, 1-based): chr5:112,838,610, C deleted; the last of 3 consecutive C bases (chr5:112,838,608-112,838,610); deleting any one gives the same sequence. VCF-style (leftmost placement, unchanged base first): chr5-112838607-GC-G. GRCh37 (hg19) VCF-style: chr5-112174304-GC-G.
Other names: c.3016del, p.His1006fs (NM_001127510.3, NM_001354895.2); c.2962del, p.His988fs (NM_001127511.3); c.3070del, p.His1024fs (NM_001354896.2); c.3046del, p.His1016fs (NM_001354897.2); c.2941del, p.His981fs (NM_001354898.2); c.2932del, p.His978fs (NM_001354899.2); c.2893del, p.His965fs (NM_001354900.2); c.2839del, p.His947fs (NM_001354901.2); and 5 more; short protein forms H846fs, H880fs, H978fs, H1016fs, H915fs, H965fs, H1006fs, H905fs.
Identifiers: ClinVar variation 851281 (VCV000851281.49), dbSNP rs1765316968, ClinGen allele CA445963130.
Genomic context (GRCh38, chr5:112,838,607, plus strand): 5'-TCCTATTCTGAAGATGATGAAAGTAAGTTTTGCAGTTATGGTCAATACCCAGCCGACCTA[GC>G]CCATAAAATACATAGTGCAAATCATATGGATGATAATGATGGAGAACTAGATACACCAAT-3'